The following is an entry in ClinVar:

NM_016151.4(TAOK2):c.1979A>T (p.Asp660Val)

Gene: TAOK2 (TAO kinase 2; plus strand). Cytogenetic location: 16p11.2.
Variant type: single nucleotide variant.
Coding change: c.1979A>T on transcript NM_016151.4 (MANE Select); coding-DNA position 1979, A replaced by T.
Protein change: p.Asp660Val; replaces aspartic acid 660 with valine.
Molecular consequence: missense variant.
Genome position (GRCh38, 1-based): chr16:29,985,848, A>T. VCF-style: chr16-29985848-A-T. GRCh37 (hg19) VCF-style: chr16-29997169-A-T.
Other names: c.1979A>T, p.Asp660Val (NM_001252043.2, NM_004783.4); c.1979A>T (NM_016151.2); short protein forms D660V.
Identifiers: ClinVar variation 3713662 (VCV003713662.3).

ClinVar aggregate classification (germline): Uncertain significance. Review status: criteria provided, multiple submitters, no conflicts (2 of 4 stars). 2 submissions from 2 submitters: Uncertain significance (2). Last evaluated 2025-10-06.

gnomAD v4.1: 6 of 1,611,432 alleles (0.00037%); highest among the groups gnomAD compares: Admixed American, 0.0017%; no homozygotes.

Submissions (2):

Ambry Genetics
Classification: Uncertain significance. Last evaluated: 2025-10-06. Review status: criteria provided, single submitter. Criteria: Ambry Variant Classification Scheme 2023. Collection method: clinical testing. Allele origin: germline.

Labcorp Genetics (formerly Invitae), Labcorp
Classification: Uncertain significance. Last evaluated: 2024-09-18. Review status: criteria provided, single submitter. Criteria: Invitae Variant Classification Sherloc (09022015). Collection method: clinical testing. Allele origin: germline.
Comment: This sequence change replaces aspartic acid, which is acidic and polar, with valine, which is neutral and non-polar, at codon 660 of the TAOK2 protein (p.Asp660Val). This variant is present in population databases (rs746288522, gnomAD 0.003%). This variant has not been reported in the literature in individuals affected with TAOK2-related conditions. An algorithm developed to predict the effect of missense changes on protein structure and function (PolyPhen-2) suggests that this variant is likely to be disruptive. In summary, the available evidence is currently insufficient to determine the role of this variant in disease. Therefore, it has been classified as a Variant of Uncertain Significance.